The following is an entry in ClinVar:

NM_206926.2(SELENON):c.693G>A (p.Val231=)

Gene: SELENON (selenoprotein N; plus strand). Cytogenetic location: 1p36.11.
Variant type: single nucleotide variant.
Coding change: c.693G>A on transcript NM_206926.2 (MANE Select); coding-DNA position 693, G replaced by A.
Protein change: p.Val231=; no amino-acid change (valine 231 retained).
Molecular consequence: synonymous variant.
Genome position (GRCh38, 1-based): chr1:25,809,073, G>A. VCF-style: chr1-25809073-G-A. GRCh37 (hg19) VCF-style: chr1-26135564-G-A.
Other names: c.795G>A, p.Val265= (NM_020451.3).
Identifiers: ClinVar variation 2124433 (VCV002124433.4), dbSNP rs2524983989, ClinGen allele CA416759067.
Genomic context (GRCh38, chr1:25,809,073, plus strand): 5'-CCGCCGCCCCCAGGTCATCATCCACCGGCTCCTGAGCATGTTCCACCCTCGGCCCTTTGT[G>A]AAGACCCGCTTTGCCCCTCAGGGAGCTGTGGCCTGCCTGACTGCCATCAGCGACTTCTAC-3'
Protein context (NP_996809.1, residues 221-241): LLSMFHPRPF[Val231=]KTRFAPQGAV

ClinVar aggregate classification (germline): Uncertain significance (1 of 4 stars; one submission).

Conditions:
Eichsfeld type congenital muscular dystrophy (CMYO3). Also called: Rigid spine muscular dystrophy 1; MYOPATHY, SEPN1-RELATED; SELENON-related myopathy; Congenital myopathy 3 with rigid spine. Identifiers: MedGen C0410180, MONDO:0100100, OMIM 602771.

Submission:

Labcorp Genetics (formerly Invitae), Labcorp
Classification: Uncertain significance for Eichsfeld type congenital muscular dystrophy. Last evaluated: 2022-08-22. Review status: criteria provided, single submitter. Criteria: Invitae Variant Classification Sherloc (09022015). Collection method: clinical testing. Allele origin: germline.
Comment: Algorithms developed to predict the effect of sequence changes on RNA splicing suggest that this variant may create or strengthen a splice site. This variant has not been reported in the literature in individuals affected with SELENON-related conditions. This variant is not present in population databases (gnomAD no frequency). This sequence change affects codon 265 of the SELENON mRNA. It is a 'silent' change, meaning that it does not change the encoded amino acid sequence of the SELENON protein. In summary, the available evidence is currently insufficient to determine the role of this variant in disease. Therefore, it has been classified as a Variant of Uncertain Significance.